The following is an entry in ClinVar:

ClinVar aggregate classification (germline): Uncertain significance (1 of 4 stars; one submission).

Submission:

Labcorp Genetics (formerly Invitae), Labcorp
Classification: Uncertain significance. Last evaluated: 2022-10-03. Review status: criteria provided, single submitter. Criteria: Invitae Variant Classification Sherloc (09022015). Collection method: clinical testing. Allele origin: germline.
Comment: This sequence change falls in intron 10 of the PLAA gene. It does not directly change the encoded amino acid sequence of the PLAA protein. It affects a nucleotide within the consensus splice site. This variant is present in population databases (rs745696757, gnomAD 0.009%). This variant has not been reported in the literature in individuals affected with PLAA-related conditions. Variants that disrupt the consensus splice site are a relatively common cause of aberrant splicing (PMID: 17576681, 9536098). Algorithms developed to predict the effect of sequence changes on RNA splicing suggest that this variant may disrupt the consensus splice site. In summary, the available evidence is currently insufficient to determine the role of this variant in disease. Therefore, it has been classified as a Variant of Uncertain Significance.

Literature cited by the submitters: PubMed 17576681; PubMed 9536098.

NM_001031689.3(PLAA):c.1486+5del

Gene: PLAA (phospholipase A2 activating protein; minus strand). Cytogenetic location: 9p21.2.
Variant type: Deletion.
Coding change: c.1486+5del on transcript NM_001031689.3 (MANE Select); 5 bases into the intron after coding-DNA position 1486, one base deleted (G; older notation c.1486+5delG).
Molecular consequence: intron variant.
Genome position (GRCh38, 1-based): chr9:26,917,092, C deleted on the plus strand (G on the coding strand, the reverse complement: PLAA is on the minus strand); the first of 3 consecutive C bases (chr9:26,917,092-26,917,094); deleting any one gives the same sequence. VCF-style (leftmost placement, unchanged base first): chr9-26917091-TC-T. GRCh37 (hg19) VCF-style: chr9-26917089-TC-T.
Other names: c.1417+2218del (NM_001321546.2).
Identifiers: ClinVar variation 1905995 (VCV001905995.2), dbSNP rs745696757, ClinGen allele CA5014357.
Genomic context (GRCh38, chr9:26,917,091, plus strand): 5'-AGCCATGTGATGCAAGATGCTATACATTTAGTGAAGAAAGATACATGAATCAAAACTACA[TC>T]CCACCTGTAAAAGGATCTGCTGTGGGTAGTGTGTTAGAAGATCCCGAAGAGCCCGGAACA-3'